The following is an entry in ClinVar:

NM_000548.5(TSC2):c.1362-3C>G

Gene: TSC2 (TSC complex subunit 2; plus strand). Cytogenetic location: 16p13.3.
Variant type: single nucleotide variant.
Coding change: c.1362-3C>G on transcript NM_000548.5 (MANE Select); 3 bases into the intron before coding-DNA position 1362, C replaced by G.
Molecular consequence: intron variant.
Genome position (GRCh38, 1-based): chr16:2,062,969, C>G. VCF-style: chr16-2062969-C-G. GRCh37 (hg19) VCF-style: chr16-2112970-C-G.
Other names: c.18-3C>G (NM_001406695.1, NM_001406696.1, NM_001406693.1 and 6 more transcripts); c.1350-3C>G (NM_001406671.1, NM_001406673.1); c.900-3C>G (NM_001406681.1); c.1251-3C>G (NM_001406670.1, NM_001318827.2, NM_001406678.1); c.762-3C>G (NM_001406682.1, NM_001406684.1, NM_001406685.1 and 6 more transcripts); c.1305-3C>G (NM_001406677.1); c.1215-3C>G (NM_001406675.1, NM_001406676.1, NM_001318829.2 and 1 more transcripts); c.1395-3C>G (NM_001318832.2); and 3 more.
Identifiers: ClinVar variation 2743878 (VCV002743878.3), dbSNP rs2151170598, ClinGen allele CA2697549630.

ClinVar aggregate classification (germline): Uncertain significance (1 of 4 stars; one submission).

Conditions:
Tuberous sclerosis 2 (TSC2). Identifiers: Orphanet 805, MedGen C1860707, MONDO:0013199, OMIM 613254.

Submission:

Labcorp Genetics (formerly Invitae), Labcorp
Classification: Uncertain significance for Tuberous sclerosis 2. Last evaluated: 2023-07-16. Review status: criteria provided, single submitter. Criteria: Invitae Variant Classification Sherloc (09022015). Collection method: clinical testing. Allele origin: germline.
Comment: In summary, the available evidence is currently insufficient to determine the role of this variant in disease. Therefore, it has been classified as a Variant of Uncertain Significance. Variants that disrupt the consensus splice site are a relatively common cause of aberrant splicing (PMID: 17576681, 9536098). Algorithms developed to predict the effect of sequence changes on RNA splicing suggest that this variant may disrupt the consensus splice site. This variant has not been reported in the literature in individuals affected with TSC2-related conditions. This variant is not present in population databases (gnomAD no frequency). This sequence change falls in intron 13 of the TSC2 gene. It does not directly change the encoded amino acid sequence of the TSC2 protein. It affects a nucleotide within the consensus splice site.

Literature cited by the submitters: PubMed 17576681; PubMed 9536098.